The following is an entry in ClinVar:

ClinVar aggregate classification (germline): Conflicting classifications of pathogenicity. Review status: criteria provided, conflicting classifications (1 of 4 stars). 10 submissions from 10 submitters: Uncertain significance (5); Benign (1); Likely benign (3). 1 of the submissions does not count toward it. Last evaluated 2026-09-01.

Conditions:
ATP13A2-related disorder. Also called: ATP13A2-related disorders; ATP13A2-related condition.
Inborn genetic diseases. Identifiers: MedGen C0950123, MeSH D030342.
Kufor-Rakeb syndrome (KRS). Also called: PARKINSON DISEASE 9, AUTOSOMAL RECESSIVE, JUVENILE-ONSET. Identifiers: Orphanet 306674, Orphanet 314632, MedGen C1847640, MONDO:0011706, OMIM 606693.
Autosomal recessive spastic paraplegia type 78. Identifiers: Orphanet 513436, MedGen C5567893, MONDO:0014975, OMIM 617225.

Allele frequency attached by ClinVar (database versions not stated): 1000 Genomes Project 30x 0.00047; 1000 Genomes Project 0.00060; TOPMed 0.00078; gnomAD 0.00079 and 0.00081; ESP Exome Variant Server 0.00131.
gnomAD v4.1: 2,214 of 1,614,210 alleles (0.14%); highest among the groups gnomAD compares: Non-Finnish European, 0.17%; 3 homozygotes.

Submissions (10):

CeGaT Center for Human Genetics Tuebingen
Classification: Likely benign. Last evaluated: 2026-09-01. Review status: criteria provided, single submitter. Criteria: CeGaT Center For Human Genetics Tuebingen Variant Classification Criteria Version 2. Collection method: clinical testing. Allele origin: germline. Affected: yes. Observed: 3 variant alleles.
Comment: ATP13A2: BP4

Labcorp Genetics (formerly Invitae), Labcorp
Classification: Likely benign for Kufor-Rakeb syndrome; Autosomal recessive spastic paraplegia type 78. Last evaluated: 2026-01-25. Review status: criteria provided, single submitter. Criteria: Invitae Variant Classification Sherloc (09022015). Collection method: clinical testing. Allele origin: germline.

Mayo Clinic Laboratories, Mayo Clinic
Classification: Uncertain significance. Last evaluated: 2025-10-07. Review status: criteria provided, single submitter. Criteria: ACMG Guidelines, 2015. Collection method: clinical testing. Allele origin: germline. Observed: 5 variant alleles.
Comment: BP4

GeneDx
Classification: Uncertain significance. Last evaluated: 2025-07-11. Review status: criteria provided, single submitter. Criteria: GeneDx Variant Classification Process June 2021. Collection method: clinical testing. Allele origin: germline. Affected: yes.
Comment: Reported previously, using an alternate transcript in one of the cases, in patients with Parkinson disease; however, the variant was also observed in unaffected controls (PMID: 25466404, 38173558); In silico analysis suggests that this missense variant does not alter protein structure/function; This variant is associated with the following publications: (PMID: 25466404, 38173558)

Blueprint Genetics
Classification: Likely benign. Last evaluated: 2024-11-20. Review status: criteria provided, single submitter. Criteria: ACMG Guidelines, 2015. Collection method: clinical testing. Allele origin: germline.

Department of Pathology and Laboratory Medicine, Sinai Health System
Classification: Uncertain significance for Kufor-Rakeb syndrome. Last evaluated: 2023-02-10. Review status: criteria provided, single submitter. Criteria: ACMG Guidelines, 2015. Collection method: research. Allele origin: germline.

Athena Diagnostics
Classification: Benign. Last evaluated: 2018-06-13. Review status: criteria provided, single submitter. Criteria: Athena Diagnostics Criteria. Collection method: clinical testing. Allele origin: germline.

Ambry Genetics
Classification: Uncertain significance for Inborn genetic diseases. Last evaluated: 2018-01-26. Review status: criteria provided, single submitter. Criteria: Ambry Variant Classification Scheme 2023. Collection method: clinical testing. Allele origin: germline.
Comment: The p.L437V variant (also known as c.1309C>G), located in coding exon 14 of the ATP13A2 gene, results from a C to G substitution at nucleotide position 1309. The leucine at codon 437 is replaced by valine, an amino acid with highly similar properties. In one study, this p.L437V alteration (resulting from c.1311G>C) was detected in six individuals from the Faroe Islands with Parkinson disease (PD), none of whom carried a second alteration in the ATP13A2 gene. This amino acid position is not well conserved in available vertebrate species. In addition, this alteration is predicted to be tolerated by in silico analysis. Since supporting evidence is limited at this time, the clinical significance of this alteration remains unclear.

Illumina Laboratory Services, Illumina
Classification: Uncertain significance for Kufor-Rakeb syndrome. Last evaluated: 2018-01-12. Review status: criteria provided, single submitter. Criteria: ICSL Variant Classification Criteria 13 December 2019. Collection method: clinical testing. Allele origin: germline.

PreventionGenetics, part of Exact Sciences
Classification: Likely benign for ATP13A2-related condition. Last evaluated: 2022-04-25. Review status: no assertion criteria provided. Collection method: clinical testing. Allele origin: germline. Not counted in ClinVar's aggregate classification.
Comment: This variant is classified as likely benign based on ACMG/AMP sequence variant interpretation guidelines (Richards et al. 2015 PMID: 25741868, with internal and published modifications).

Literature cited by the submitters: PubMed 25466404 (cited by 3 submitters).

NM_022089.4(ATP13A2):c.1309C>G (p.Leu437Val)

Gene: ATP13A2 (ATPase cation transporting 13A2; minus strand). Cytogenetic location: 1p36.13.
Variant type: single nucleotide variant.
Coding change: c.1309C>G on transcript NM_022089.4 (MANE Select); coding-DNA position 1309, C replaced by G.
Protein change: p.Leu437Val; replaces leucine 437 with valine.
Molecular consequence: missense variant.
Genome position (GRCh38, 1-based): chr1:16,996,298, G>C on the plus strand (C>G on the coding strand, the complement: ATP13A2 is on the minus strand). VCF-style: chr1-16996298-G-C. GRCh37 (hg19) VCF-style: chr1-17322793-G-C.
Other names: p.Leu437Val; c.1294C>G, p.Leu432Val (NM_001141973.3, NM_001141974.3); short protein forms L437V, L432V.
Identifiers: ClinVar variation 293793 (VCV000293793.68), dbSNP rs149372969, ClinGen allele CA637266.